The following is an entry in ClinVar:

ClinVar aggregate classification (germline): Uncertain significance (1 of 4 stars; one submission).

Allele frequency attached by ClinVar (database versions not stated): gnomAD exomes below 0.00001 and 0.00001; gnomAD 0.00001; TOPMed 0.00001.
gnomAD v4.1: 10 of 1,595,176 alleles (0.00063%); highest among the groups gnomAD compares: Non-Finnish European, 0.00085%; no homozygotes.

Submission:

Labcorp Genetics (formerly Invitae), Labcorp
Classification: Uncertain significance. Last evaluated: 2021-10-13. Review status: criteria provided, single submitter. Criteria: Invitae Variant Classification Sherloc (09022015). Collection method: clinical testing. Allele origin: germline.
Comment: In summary, the available evidence is currently insufficient to determine the role of this variant in disease. Therefore, it has been classified as a Variant of Uncertain Significance. Algorithms developed to predict the effect of missense changes on protein structure and function output the following: SIFT: "Deleterious"; PolyPhen-2: "Possibly Damaging"; Align-GVGD: "Class C0". The phenylalanine amino acid residue is found in multiple mammalian species, which suggests that this missense change does not adversely affect protein function. This variant has not been reported in the literature in individuals affected with SLC24A1-related conditions. This variant is not present in population databases (ExAC no frequency). This sequence change replaces serine with phenylalanine at codon 191 of the SLC24A1 protein (p.Ser191Phe). The serine residue is weakly conserved and there is a large physicochemical difference between serine and phenylalanine.

NM_004727.3(SLC24A1):c.572C>T (p.Ser191Phe)

Gene: SLC24A1 (solute carrier family 24 member 1; plus strand). Cytogenetic location: 15q22.31.
Variant type: single nucleotide variant.
Coding change: c.572C>T on transcript NM_004727.3 (MANE Select); coding-DNA position 572, C replaced by T.
Protein change: p.Ser191Phe; replaces serine 191 with phenylalanine.
Molecular consequence: missense variant.
Genome position (GRCh38, 1-based): chr15:65,624,652, C>T. VCF-style: chr15-65624652-C-T. GRCh37 (hg19) VCF-style: chr15-65916990-C-T.
Other names: c.572C>T, p.Ser191Phe (NM_001301031.1, NM_001301032.1, NM_001301033.2); short protein forms S191F.
Identifiers: ClinVar variation 1422553 (VCV001422553.6), dbSNP rs933577086, ClinGen allele CA271587769.
Genomic context (GRCh38, chr15:65,624,652, plus strand): 5'-GGGGAGAAATGAAGAGCTACAGCCCAACTCAAGTGAGGGAAAAGGTGAAGTATACTCCTT[C>T]CCCACGTGGTAGAAGAGTAGGCACTTACGTGCCGTCCACATTCATGACAATGGAAACAAG-3'
Protein context (NP_004718.1, residues 181-201): QVREKVKYTP[Ser191Phe]PRGRRVGTYV